The following is an entry in ClinVar:

ClinVar aggregate classification (germline): Uncertain significance (1 of 4 stars; one submission).

Submission:

Labcorp Genetics (formerly Invitae), Labcorp
Classification: Uncertain significance. Last evaluated: 2025-11-11. Review status: criteria provided, single submitter. Criteria: Invitae Variant Classification Sherloc (09022015). Collection method: clinical testing. Allele origin: germline.
Comment: This sequence change creates a premature translational stop signal (p.Leu439Tyrfs*8) in the SUCLG2 gene. While this is not anticipated to result in nonsense mediated decay, it is expected to disrupt the last 2 amino acid(s) of the SUCLG2 protein. This variant is present in population databases (rs757697438, gnomAD 0.07%), and has an allele count higher than expected for a pathogenic variant. This variant has not been reported in the literature in individuals affected with SUCLG2-related conditions. ClinVar contains an entry for this variant (Variation ID: 3631884). Experimental studies and prediction algorithms are not available or were not evaluated, and the functional significance of this variant is currently unknown. In summary, the available evidence is currently insufficient to determine the role of this variant in disease. Therefore, it has been classified as a Variant of Uncertain Significance.

NM_001177599.2(SUCLG2):c.1316del (p.Leu439fs)

Gene: SUCLG2 (succinate-CoA ligase GDP-forming subunit beta; minus strand). Cytogenetic location: 3p14.1.
Variant type: Deletion.
Coding change: c.1316del on transcript NM_001177599.2; coding-DNA position 1316, one base deleted (T; older notation c.1316delT).
Protein change: p.Leu439fs; shifts the reading frame from leucine 439.
Molecular consequence: frameshift variant.
Genome position (GRCh38, 1-based): chr3:67,360,636, A deleted on the plus strand (T on the coding strand, the reverse complement: SUCLG2 is on the minus strand); the first of 7 consecutive A bases (chr3:67,360,636-67,360,642); deleting any one gives the same sequence. VCF-style (leftmost placement, unchanged base first): chr3-67360635-TA-T. GRCh37 (hg19) VCF-style: chr3-67411059-TA-T.
Other names: short protein forms L439fs.
Identifiers: ClinVar variation 3631884 (VCV003631884.2).